The following is an entry in ClinVar:

NM_001267550.2(TTN):c.105228G>A (p.Ser35076=)

Genes: TTN (titin; minus strand), TTN-AS1 (TTN antisense RNA 1; plus strand). Cytogenetic location: 2q31.2.
Variant type: single nucleotide variant.
Coding change: c.105228G>A on transcript NM_001267550.2 (MANE Select); coding-DNA position 105228, G replaced by A.
Protein change: p.Ser35076=; no amino-acid change (serine 35076 retained).
Molecular consequence: synonymous variant.
Genome position (GRCh38, 1-based): chr2:178,531,387, C>T on the plus strand (G>A on the coding strand, the complement: TTN is on the minus strand). VCF-style: chr2-178531387-C-T. GRCh37 (hg19) VCF-style: chr2-179396114-C-T.
Other names: p.S33435S:TCG>TCA; c.100305G>A, p.Ser33435= (NM_001256850.1); c.78033G>A, p.Ser26011= (NM_003319.4); c.97524G>A, p.Ser32508= (NM_133378.4); c.78408G>A, p.Ser26136= (NM_133432.3); c.78609G>A, p.Ser26203= (NM_133437.4).
Identifiers: ClinVar variation 47687 (VCV000047687.78), dbSNP rs55938627, ClinGen allele CA284311.

ClinVar aggregate classification (germline): Conflicting classifications of pathogenicity. Review status: criteria provided, conflicting classifications (1 of 4 stars). 21 submissions from 17 submitters: Uncertain significance (3); Benign (10); Likely benign (4). 4 of the submissions do not count toward it. Last evaluated 2026-09-01.

Conditions:
Dilated cardiomyopathy 1G (CMD1G). Identifiers: Orphanet 154, MedGen C1858763, MONDO:0011400, OMIM 604145.
Autosomal recessive limb-girdle muscular dystrophy type 2J (LGMDR10). Also called: MUSCULAR DYSTROPHY, LIMB-GIRDLE, AUTOSOMAL RECESSIVE 10; Limb-girdle muscular dystrophy, type 2J. Identifiers: Orphanet 140922, MedGen C1837342, MONDO:0012127, OMIM 608807.
TTN-related disorder. Also called: TTN-related disorders; TTN-related condition; TTN-related disease.
Cardiovascular phenotype. Identifiers: MedGen CN230736.
Cardiomyopathy (CMYO). Also called: Cardiomyopathies. Identifiers: Orphanet 167848, MedGen C0878544, MONDO:0004994, HP:0001638. Inheritance: Various modes of inheritance.
Early-onset myopathy with fatal cardiomyopathy (CMYO5). Also called: CONGENITAL MYOPATHY 5 WITH CARDIOMYOPATHY; Salih Myopathy. Identifiers: Orphanet 289377, MedGen C2673677, MONDO:0012714, OMIM 611705. Disease mechanism: loss of function.
Myopathy, myofibrillar, 9, with early respiratory failure (MFM9). Also called: Myopathy, distal, with early respiratory failure, autosomal dominant; Hereditary myopathy with early respiratory failure; MYOPATHY, PROXIMAL, WITH EARLY RESPIRATORY MUSCLE INVOLVEMENT; EDSTROM MYOPATHY. Identifiers: Orphanet 178464, Orphanet 34521, MedGen C1863599, MONDO:0011362, OMIM 603689.
Tibial muscular dystrophy (TMD). Also called: Udd Distal Myopathy – Tibial Muscular Dystrophy; Tibial muscular dystrophy, tardive; UDD MYOPATHY. Identifiers: Orphanet 609, MedGen C1838244, MONDO:0010870, OMIM 600334.

Allele frequency attached by ClinVar (database versions not stated): gnomAD 0.00090 and 0.00094; 1000 Genomes Project 0.00140; ESP Exome Variant Server 0.00158; TOPMed 0.00111; 1000 Genomes Project 30x 0.00109.
gnomAD v4.1: 1,282 of 1,614,020 alleles (0.079%); highest among the groups gnomAD compares: Middle Eastern, 1.9%; 9 homozygotes.

Submissions (21):

CeGaT Center for Human Genetics Tuebingen
Classification: Likely benign. Last evaluated: 2026-09-01. Review status: criteria provided, single submitter. Criteria: CeGaT Center For Human Genetics Tuebingen Variant Classification Criteria Version 2. Collection method: clinical testing. Allele origin: germline. Affected: yes. Observed: 64 variant alleles.
Comment: TTN: BP4, BP7

Labcorp Genetics (formerly Invitae), Labcorp
Classification: Benign for Dilated cardiomyopathy 1G; Autosomal recessive limb-girdle muscular dystrophy type 2J. Last evaluated: 2026-02-01. Review status: criteria provided, single submitter. Criteria: Invitae Variant Classification Sherloc (09022015). Collection method: clinical testing. Allele origin: germline.

Molecular Diagnostic Laboratory for Inherited Cardiovascular Disease, Montreal Heart Institute
Classification: Benign. Last evaluated: 2025-04-09. Review status: criteria provided, single submitter. Criteria: ACMG Guidelines, 2015. Collection method: clinical testing. Allele origin: germline. Affected: no.

ARUP Laboratories, Molecular Genetics and Genomics, ARUP Laboratories
Classification: Benign. Last evaluated: 2024-11-12. Review status: criteria provided, single submitter. Criteria: ARUP Molecular Germline Variant Investigation Process 2024. Collection method: clinical testing. Allele origin: germline.

Blueprint Genetics
Classification: Likely benign. Last evaluated: 2024-11-12. Review status: criteria provided, single submitter. Criteria: ACMG Guidelines, 2015. Collection method: clinical testing. Allele origin: germline.

Athena Diagnostics
Classification: Benign. Last evaluated: 2023-12-27. Review status: criteria provided, single submitter. Criteria: Athena Diagnostics Criteria. Collection method: clinical testing. Allele origin: unknown.

Women's Health and Genetics/Laboratory Corporation of America, LabCorp
Classification: Benign. Last evaluated: 2022-07-24. Review status: criteria provided, single submitter. Criteria: LabCorp Variant Classification Summary - May 2015. Collection method: clinical testing. Allele origin: germline.

CHEO Genetics Diagnostic Laboratory, Children's Hospital of Eastern Ontario
Classification: Benign for Cardiomyopathy. Last evaluated: 2021-06-16. Review status: criteria provided, single submitter. Criteria: ACMG Guidelines, 2015. Collection method: clinical testing. Allele origin: germline. Study: Canadian Open Genetics Repository.

Illumina Laboratory Services, Illumina
Classification: Benign for Tibial muscular dystrophy. Last evaluated: 2018-01-12. Review status: criteria provided, single submitter. Criteria: ICSL Variant Classification Criteria 13 December 2019. Collection method: clinical testing. Allele origin: germline.
Comment: This variant was observed in the ICSL laboratory as part of a predisposition screen in an ostensibly healthy population. It had not been previously curated by ICSL or reported in the Human Gene Mutation Database (HGMD: prior to June 1st, 2018), and was therefore a candidate for classification through an automated scoring system. Utilizing variant allele frequency, disease prevalence and penetrance estimates, and inheritance mode, an automated score was calculated to assess if this variant is too frequent to cause the disease. Based on the score and internal cut-off values, a variant classified as benign is not then subjected to further curation. The score for this variant resulted in a classification of benign for this disease.

Illumina Laboratory Services, Illumina
Classification: Uncertain significance for Autosomal recessive limb-girdle muscular dystrophy type 2J. Last evaluated: 2018-01-12. Review status: criteria provided, single submitter. Criteria: ICSL Variant Classification Criteria 13 December 2019. Collection method: clinical testing. Allele origin: germline.

Illumina Laboratory Services, Illumina
Classification: Benign for Myopathy, myofibrillar, 9, with early respiratory failure. Last evaluated: 2018-01-12. Review status: criteria provided, single submitter. Criteria: ICSL Variant Classification Criteria 13 December 2019. Collection method: clinical testing. Allele origin: germline.
Comment: the same text as in the submission from Illumina Laboratory Services, Illumina above.

Illumina Laboratory Services, Illumina
Classification: Uncertain significance for Early-onset myopathy with fatal cardiomyopathy. Last evaluated: 2018-01-12. Review status: criteria provided, single submitter. Criteria: ICSL Variant Classification Criteria 13 December 2019. Collection method: clinical testing. Allele origin: germline.

Illumina Laboratory Services, Illumina
Classification: Uncertain significance for Dilated cardiomyopathy 1G. Last evaluated: 2018-01-12. Review status: criteria provided, single submitter. Criteria: ICSL Variant Classification Criteria 13 December 2019. Collection method: clinical testing. Allele origin: germline.

Eurofins Ntd Llc (ga)
Classification: Likely benign. Last evaluated: 2015-11-03. Review status: criteria provided, single submitter. Criteria: EGL Classification Definitions 2015. Collection method: clinical testing. Allele origin: germline. Observed: 2 variant alleles, 2 heterozygotes.

Ambry Genetics
Classification: Benign for Cardiovascular phenotype. Last evaluated: 2015-08-20. Review status: criteria provided, single submitter. Criteria: Ambry Variant Classification Scheme 2023. Collection method: clinical testing. Allele origin: germline.

Laboratory for Molecular Medicine, Mass General Brigham Personalized Medicine
Classification: Likely benign. Last evaluated: 2015-03-18. Review status: criteria provided, single submitter. Criteria: LMM Criteria. Collection method: clinical testing. Allele origin: germline. Observed: 15 variant alleles.
Comment: p.Ser32508Ser in exon 307 of TTN: This variant is not expected to have clinical significance because it does not alter an amino acid residue and is not located within the splice consensus sequence. It has been identified in 0.1% (91/66734) of European chromosomes by the Exome Aggregation Consortium (ExAC; dbSNP rs55938627).

GeneDx
Classification: Benign. Last evaluated: 2014-03-16. Review status: criteria provided, single submitter. Criteria: GeneDx Variant Classification (06012015). Collection method: clinical testing. Allele origin: germline. Affected: yes.
Comment: This variant is considered likely benign or benign based on one or more of the following criteria: it is a conservative change, it occurs at a poorly conserved position in the protein, it is predicted to be benign by multiple in silico algorithms, and/or has population frequency not consistent with disease.

PreventionGenetics, part of Exact Sciences
Classification: Likely benign for TTN-related condition. Last evaluated: 2019-06-19. Review status: no assertion criteria provided. Collection method: clinical testing. Allele origin: germline. Not counted in ClinVar's aggregate classification.
Comment: This variant is classified as likely benign based on ACMG/AMP sequence variant interpretation guidelines (Richards et al. 2015 PMID: 25741868, with internal and published modifications).

Clinical Genetics DNA and cytogenetics Diagnostics Lab, Erasmus MC, Erasmus Medical Center
Classification: Likely benign. Review status: no assertion criteria provided. Collection method: clinical testing. Allele origin: germline. Affected: yes. Study: VKGL Data-share Consensus. Not counted in ClinVar's aggregate classification.

Clinical Genetics, Academic Medical Center
Classification: Benign. Review status: no assertion criteria provided. Collection method: clinical testing. Allele origin: germline. Affected: yes. Study: VKGL Data-share Consensus. Not counted in ClinVar's aggregate classification.

Diagnostic Laboratory, Department of Genetics, University Medical Center Groningen
Classification: Likely benign. Review status: no assertion criteria provided. Collection method: clinical testing. Allele origin: germline. Affected: yes. Study: VKGL Data-share Consensus. Not counted in ClinVar's aggregate classification.

Literature cited by the submitters: PubMed 24503780 (cited by Athena Diagnostics).